The following is an entry in ClinVar:

ClinVar aggregate classification (germline): Uncertain significance. Review status: criteria provided, multiple submitters, no conflicts (2 of 4 stars). 3 submissions from 3 submitters: Uncertain significance (3). Last evaluated 2025-12-08.

Conditions:
PLOD1-related disorder. Also called: PLOD1-related condition.
Familial thoracic aortic aneurysm and aortic dissection (TAAD). Also called: Thoracic aortic aneurysms and dissections. Identifiers: Orphanet 91387, MedGen C4707243, MONDO:0019625.
Ehlers-Danlos syndrome, kyphoscoliotic type 1 (EDSKSCL1). Also called: EHLERS-DANLOS SYNDROME, TYPE VIA; Ehlers-Danlos syndrome, hydroxylysine-deficient; EHLERS-DANLOS SYNDROME, OCULAR-SCOLIOTIC TYPE; PLOD1-Related Kyphoscoliotic Ehlers-Danlos Syndrome. Identifiers: Orphanet 1900, MedGen C0268342, MONDO:0016002, OMIM 225400. Disease mechanism: loss of function.

Allele frequency attached by ClinVar (database versions not stated): gnomAD 0.00002 and 0.00003; TOPMed 0.00002; ExAC 0.00003; gnomAD exomes 0.00003; ESP Exome Variant Server 0.00008.
gnomAD v4.1: 28 of 1,612,076 alleles (0.0017%); highest among the groups gnomAD compares: South Asian, 0.0055%; no homozygotes.

Submissions (3):

Labcorp Genetics (formerly Invitae), Labcorp
Classification: Uncertain significance for Ehlers-Danlos syndrome, kyphoscoliotic type 1. Last evaluated: 2025-12-08. Review status: criteria provided, single submitter. Criteria: Invitae Variant Classification Sherloc (09022015). Collection method: clinical testing. Allele origin: germline.
Comment: This sequence change replaces arginine, which is basic and polar, with glutamine, which is neutral and polar, at codon 610 of the PLOD1 protein (p.Arg610Gln). This variant is present in population databases (rs150184664, gnomAD 0.006%). This variant has not been reported in the literature in individuals affected with PLOD1-related conditions. ClinVar contains an entry for this variant (Variation ID: 1421992). Invitae Evidence Modeling of protein sequence and biophysical properties (such as structural, functional, and spatial information, amino acid conservation, physicochemical variation, residue mobility, and thermodynamic stability) indicates that this missense variant is not expected to disrupt PLOD1 protein function with a negative predictive value of 95%. In summary, the available evidence is currently insufficient to determine the role of this variant in disease. Therefore, it has been classified as a Variant of Uncertain Significance.

PreventionGenetics, part of Exact Sciences
Classification: Uncertain significance for PLOD1-related condition. Last evaluated: 2024-12-09. Review status: criteria provided, single submitter. Criteria: ACMG Guidelines, 2015. Collection method: clinical testing. Allele origin: germline.
Comment: The PLOD1 c.1829G>A variant is predicted to result in the amino acid substitution p.Arg610Gln. To our knowledge, this variant has not been reported in the literature. This variant is reported in 0.0065% of alleles in individuals of South Asian descent in gnomAD. At this time, the clinical significance of this variant is uncertain due to the absence of conclusive functional and genetic evidence.

Ambry Genetics
Classification: Uncertain significance for Familial thoracic aortic aneurysm and aortic dissection. Last evaluated: 2024-03-10. Review status: criteria provided, single submitter. Criteria: Ambry Variant Classification Scheme 2023. Collection method: clinical testing. Allele origin: germline.
Comment: The p.R610Q variant (also known as c.1829G>A), located in coding exon 17 of the PLOD1 gene, results from a G to A substitution at nucleotide position 1829. The arginine at codon 610 is replaced by glutamine, an amino acid with highly similar properties. This amino acid position is conserved. In addition, this alteration is predicted to be tolerated by in silico analysis. Since supporting evidence is limited at this time, the clinical significance of this alteration remains unclear.

NM_000302.4(PLOD1):c.1829G>A (p.Arg610Gln)

Gene: PLOD1 (procollagen-lysine,2-oxoglutarate 5-dioxygenase 1; plus strand). Cytogenetic location: 1p36.22.
Variant type: single nucleotide variant.
Coding change: c.1829G>A on transcript NM_000302.4 (MANE Select); coding-DNA position 1829, G replaced by A.
Protein change: p.Arg610Gln; replaces arginine 610 with glutamine.
Molecular consequence: missense variant.
Genome position (GRCh38, 1-based): chr1:11,970,743, G>A. VCF-style: chr1-11970743-G-A. GRCh37 (hg19) VCF-style: chr1-12030800-G-A.
Other names: c.1970G>A, p.Arg657Gln (NM_001316320.2); short protein forms R610Q, R657Q.
Identifiers: ClinVar variation 1421992 (VCV001421992.9), dbSNP rs150184664, ClinGen allele CA598584.
Genomic context (GRCh38, chr1:11,970,743, plus strand): 5'-AGGGTGGCTACGAGAACGTGCCGACTATTGACATCCACATGAACCAGATCGGCTTTGAGC[G>A]GGAGTGGCACAAATTCCTGCTGGAGTACATTGCGCCCATGACGGAGAAGCTCTACCCCGG-3'
Protein context (NP_000293.2, residues 600-620): DIHMNQIGFE[Arg610Gln]EWHKFLLEYI